The following is an entry in ClinVar:

ClinVar aggregate classification (germline): Uncertain significance. Review status: criteria provided, multiple submitters, no conflicts (2 of 4 stars). 2 submissions from 2 submitters: Uncertain significance (2). Last evaluated 2024-07-03.

Conditions:
Hereditary cancer-predisposing syndrome. Also called: Neoplastic Syndromes, Hereditary; Tumor predisposition; Hereditary Cancer Syndrome; Hereditary neoplastic syndrome. Identifiers: Orphanet 140162, MedGen C0027672, MeSH D009386, MONDO:0015356.
Retinoblastoma (RB1). Also called: RETINOBLASTOMA, SOMATIC. Identifiers: Orphanet 790, MedGen C0035335, MeSH D012175, MONDO:0008380, OMIM 180200, HP:0009919. Disease mechanism: loss of function. Inheritance: Both sporadic and heritable forms are tested..

Submissions (2):

Ambry Genetics
Classification: Uncertain significance for Hereditary cancer-predisposing syndrome. Last evaluated: 2024-07-03. Review status: criteria provided, single submitter. Criteria: Ambry Variant Classification Scheme 2023. Collection method: clinical testing. Allele origin: germline.
Comment: The p.D511H variant (also known as c.1531G>C), located in coding exon 17 of the RB1 gene, results from a G to C substitution at nucleotide position 1531. The aspartic acid at codon 511 is replaced by histidine, an amino acid with similar properties. This amino acid position is well conserved in available vertebrate species. In addition, the in silico prediction for this alteration is inconclusive. Based on the available evidence, the clinical significance of this variant remains unclear.

Labcorp Genetics (formerly Invitae), Labcorp
Classification: Uncertain significance for Retinoblastoma. Last evaluated: 2023-08-08. Review status: criteria provided, single submitter. Criteria: Invitae Variant Classification Sherloc (09022015). Collection method: clinical testing. Allele origin: germline.
Comment: In summary, the available evidence is currently insufficient to determine the role of this variant in disease. Therefore, it has been classified as a Variant of Uncertain Significance. Advanced modeling of protein sequence and biophysical properties (such as structural, functional, and spatial information, amino acid conservation, physicochemical variation, residue mobility, and thermodynamic stability) performed at Invitae indicates that this missense variant is not expected to disrupt RB1 protein function. ClinVar contains an entry for this variant (Variation ID: 819472). This variant has not been reported in the literature in individuals affected with RB1-related conditions. This variant is not present in population databases (gnomAD no frequency). This sequence change replaces aspartic acid, which is acidic and polar, with histidine, which is basic and polar, at codon 511 of the RB1 protein (p.Asp511His).

NM_000321.3(RB1):c.1531G>C (p.Asp511His)

Gene: RB1 (RB transcriptional corepressor 1; plus strand). Cytogenetic location: 13q14.2.
Variant type: single nucleotide variant.
Coding change: c.1531G>C on transcript NM_000321.3 (MANE Select); coding-DNA position 1531, G replaced by C.
Protein change: p.Asp511His; replaces aspartic acid 511 with histidine.
Molecular consequence: missense variant.
Genome position (GRCh38, 1-based): chr13:48,381,279, G>C. VCF-style: chr13-48381279-G-C. GRCh37 (hg19) VCF-style: chr13-48955415-G-C.
Other names: short protein forms D511H.
Identifiers: ClinVar variation 819472 (VCV000819472.13), dbSNP rs145729675, ClinGen allele CA388163383.